The following is an entry in ClinVar:

ClinVar aggregate classification (germline): Conflicting classifications of pathogenicity. Review status: criteria provided, conflicting classifications (1 of 4 stars). 2 submissions from 2 submitters: Uncertain significance (1); Likely benign (1). Last evaluated 2023-03-23.

Conditions:
Hereditary cancer-predisposing syndrome. Also called: Neoplastic Syndromes, Hereditary; Tumor predisposition; Hereditary Cancer Syndrome; Hereditary neoplastic syndrome. Identifiers: Orphanet 140162, MedGen C0027672, MeSH D009386, MONDO:0015356.

Submissions (2):

University of Washington Department of Laboratory Medicine, University of Washington
Classification: Likely benign for Hereditary cancer-predisposing syndrome. Last evaluated: 2023-03-23. Review status: criteria provided, single submitter. Criteria: Dines et al. (Genet Med. 2020). Collection method: curation. Allele origin: germline.
Comment: Missense variant in a coldspot region where missense variants are very unlikely to be pathogenic (PMID:31911673).

BRCA2 exon 11 coldspot. Reclassification based on statistical prior probability.

Ambry Genetics
Classification: Uncertain significance for Hereditary cancer-predisposing syndrome. Last evaluated: 2019-10-24. Review status: criteria provided, single submitter. Criteria: Ambry Variant Classification Scheme 2023. Collection method: clinical testing. Allele origin: germline.
Comment: The p.P1133R variant (also known as c.3398C>G), located in coding exon 10 of the BRCA2 gene, results from a C to G substitution at nucleotide position 3398. The proline at codon 1133 is replaced by arginine, an amino acid with dissimilar properties. This amino acid position is poorly conserved in available vertebrate species. In addition, this alteration is predicted to be tolerated by in silico analysis. Since supporting evidence is limited at this time, the clinical significance of this alteration remains unclear.

NM_000059.4(BRCA2):c.3398C>G (p.Pro1133Arg)

Gene: BRCA2 (BRCA2 DNA repair associated; plus strand). Cytogenetic location: 13q13.1.
Variant type: single nucleotide variant.
Coding change: c.3398C>G on transcript NM_000059.4 (MANE Select); coding-DNA position 3398, C replaced by G.
Protein change: p.Pro1133Arg; replaces proline 1133 with arginine.
Molecular consequence: missense variant.
Genome position (GRCh38, 1-based): chr13:32,337,753, C>G. VCF-style: chr13-32337753-C-G. GRCh37 (hg19) VCF-style: chr13-32911890-C-G.
Other names: c.3398C>G, p.Pro1133Arg (NM_001406719.1, NM_001406720.1); short protein forms P1133R.
Identifiers: ClinVar variation 1730959 (VCV001730959.4), dbSNP rs1170876773, ClinGen allele CA387776466.